The following is an entry in ClinVar:

ClinVar aggregate classification (germline): Uncertain significance (1 of 4 stars; one submission).

Submission:

GeneDx
Classification: Uncertain significance. Last evaluated: 2026-02-11. Review status: criteria provided, single submitter. Criteria: GeneDx Variant Classification Process June 2021. Collection method: clinical testing. Allele origin: germline.
Comment: Not observed at significant frequency in large population cohorts (gnomAD); In silico analysis suggests that this missense variant does not alter protein structure/function; Has not been previously published as pathogenic or benign to our knowledge

NM_000875.5(IGF1R):c.521C>T (p.Pro174Leu)

Gene: IGF1R (insulin like growth factor 1 receptor; plus strand). Cytogenetic location: 15q26.3.
Variant type: single nucleotide variant.
Coding change: c.521C>T on transcript NM_000875.5 (MANE Select); coding-DNA position 521, C replaced by T.
Protein change: p.Pro174Leu; replaces proline 174 with leucine.
Molecular consequence: missense variant.
Genome position (GRCh38, 1-based): chr15:98,707,988, C>T. VCF-style: chr15-98707988-C-T. GRCh37 (hg19) VCF-style: chr15-99251217-C-T.
Other names: c.521C>T, p.Pro174Leu (NM_001291858.2); short protein forms P174L.
Identifiers: ClinVar variation 4976320 (VCV004976320.1).